The following is an entry in ClinVar:

ClinVar aggregate classification (germline): Uncertain significance. Review status: criteria provided, multiple submitters, no conflicts (2 of 4 stars). 3 submissions from 3 submitters: Uncertain significance (3). Last evaluated 2024-09-13.

Conditions:
RYR1-related disorder. Also called: RYR1-related disorders; RYR1-related condition. Identifiers: MedGen CN239331.
Malignant hyperthermia, susceptibility to, 1 (MHS1). Also called: Anesthesia related hyperthermia; Malignant hyperpyrexia; Fulminating hyperpyrexia; Pharmacogenic myopathy; RYR1-Related Malignant Hyperthermia Susceptibility; Malignant hyperthermia suceptibility 1. Identifiers: Orphanet 423, MedGen C2930980, MONDO:0007783, OMIM 145600.

Allele frequency attached by ClinVar (database versions not stated): gnomAD exomes below 0.00001 and 0.00001; TOPMed below 0.00001.
gnomAD v4.1: 8 of 1,613,948 alleles (0.0005%); highest among the groups gnomAD compares: Non-Finnish European, 0.00068%; no homozygotes.

Submissions (3):

Labcorp Genetics (formerly Invitae), Labcorp
Classification: Uncertain significance for RYR1-related disorder. Last evaluated: 2024-09-13. Review status: criteria provided, single submitter. Criteria: Invitae Variant Classification Sherloc (09022015). Collection method: clinical testing. Allele origin: germline.
Comment: This sequence change replaces arginine, which is basic and polar, with lysine, which is basic and polar, at codon 3848 of the RYR1 protein (p.Arg3848Lys). This variant is present in population databases (no rsID available, gnomAD 0.0009%). This variant has not been reported in the literature in individuals affected with RYR1-related conditions. ClinVar contains an entry for this variant (Variation ID: 590385). Invitae Evidence Modeling of protein sequence and biophysical properties (such as structural, functional, and spatial information, amino acid conservation, physicochemical variation, residue mobility, and thermodynamic stability) indicates that this missense variant is expected to disrupt RYR1 protein function with a positive predictive value of 95%. In summary, the available evidence is currently insufficient to determine the role of this variant in disease. Therefore, it has been classified as a Variant of Uncertain Significance.

All of Us Research Program, National Institutes of Health
Classification: Uncertain significance for Malignant hyperthermia, susceptibility to, 1. Last evaluated: 2024-02-22. Review status: criteria provided, single submitter. Criteria: ACMG Guidelines, 2015. Collection method: clinical testing. Allele origin: germline. Inheritance: Autosomal dominant inheritance. Observed: 1 variant allele, 1 heterozygote.
Comment: This missense variant replaces arginine with lysine at codon 3848 of the RYR1 protein. Computational prediction suggests that this variant may have deleterious impact on protein structure and function (internally defined REVEL score threshold >= 0.7, PMID: 27666373). To our knowledge, functional studies have not been reported for this variant. This variant has not been reported in individuals affected with RYR1-related disorders in the literature. This variant has been identified in 1/250914 chromosomes in the general population by the Genome Aggregation Database (gnomAD). The available evidence is insufficient to determine the role of this variant in disease conclusively. Therefore, this variant is classified as a Variant of Uncertain Significance.

This study involves interpretation of variants in research participants for the purpose of population health screening. Participant phenotype was not available at the time of variant classification. Additional details can be found in publication PMID: 35346344, PMCID: PMC8962531

PreventionGenetics, part of Exact Sciences
Classification: Uncertain significance. Last evaluated: 2013-10-29. Review status: criteria provided, single submitter. Criteria: ACMG Guidelines, 2015. Collection method: clinical testing. Allele origin: germline.

NM_000540.3(RYR1):c.11543G>A (p.Arg3848Lys)

Gene: RYR1 (ryanodine receptor 1; plus strand). Cytogenetic location: 19q13.2.
Variant type: single nucleotide variant.
Coding change: c.11543G>A on transcript NM_000540.3 (MANE Select); coding-DNA position 11543, G replaced by A.
Protein change: p.Arg3848Lys; replaces arginine 3848 with lysine.
Molecular consequence: missense variant.
Genome position (GRCh38, 1-based): chr19:38,536,023, G>A. VCF-style: chr19-38536023-G-A. GRCh37 (hg19) VCF-style: chr19-39026663-G-A.
Other names: c.11528G>A, p.Arg3843Lys (NM_001042723.2); short protein forms R3848K, R3843K.
Identifiers: ClinVar variation 590385 (VCV000590385.9), dbSNP rs1452778797, ClinGen allele CA405656506.
Genomic context (GRCh38, chr19:38,536,023, plus strand): 5'-CACATACCCCCTATCTTTCCTTTCTTTTCCTCAGCGTCCTGGATCTCAATGCCTTTGAGA[G>A]ACAGAACAAGGCCGAGGGGCTGGGCATGGTGAATGAGGATGGCACTGGTGAGGCCCTCCC-3'
Protein context (NP_000531.2, residues 3838-3858): CSVLDLNAFE[Arg3848Lys]QNKAEGLGMV